The following is an entry in ClinVar:

NM_000081.4(LYST):c.7935G>A (p.Arg2645=)

Gene: LYST (lysosomal trafficking regulator; minus strand). Cytogenetic location: 1q42.3.
Variant type: single nucleotide variant.
Coding change: c.7935G>A on transcript NM_000081.4 (MANE Select); coding-DNA position 7935, G replaced by A.
Protein change: p.Arg2645=; no amino-acid change (arginine 2645 retained).
Molecular consequence: synonymous variant.
Genome position (GRCh38, 1-based): chr1:235,746,373, C>T on the plus strand (G>A on the coding strand, the complement: LYST is on the minus strand). VCF-style: chr1-235746373-C-T. GRCh37 (hg19) VCF-style: chr1-235909673-C-T.
Other names: p.Arg2645=; c.7935G>A, p.Arg2645= (NM_001301365.1).
Identifiers: ClinVar variation 2833497 (VCV002833497.4), dbSNP rs909719318, ClinGen allele CA39607819.

ClinVar aggregate classification (germline): Likely benign. Review status: criteria provided, multiple submitters, no conflicts (2 of 4 stars). 2 submissions from 2 submitters: Likely benign (2). Last evaluated 2024-12-26.

Conditions:
Chédiak-Higashi syndrome (CHS). Also called: Chediak-Higashi Syndrome. Identifiers: Orphanet 167, MedGen C0007965, MONDO:0008963, OMIM 214500.

Submissions (2):

Mayo Clinic Laboratories, Mayo Clinic
Classification: Likely benign. Last evaluated: 2024-12-26. Review status: criteria provided, single submitter. Criteria: ACMG Guidelines, 2015. Collection method: clinical testing. Allele origin: germline. Observed: 1 variant allele.
Comment: BP4, BP7

Labcorp Genetics (formerly Invitae), Labcorp
Classification: Likely benign for Chédiak-Higashi syndrome. Last evaluated: 2023-02-01. Review status: criteria provided, single submitter. Criteria: Invitae Variant Classification Sherloc (09022015). Collection method: clinical testing. Allele origin: germline.